The following is an entry in ClinVar:

ClinVar aggregate classification (germline): Uncertain significance. Review status: criteria provided, multiple submitters, no conflicts (2 of 4 stars). 2 submissions from 2 submitters: Uncertain significance (2). Last evaluated 2024-10-04.

Conditions:
Hereditary cancer-predisposing syndrome. Also called: Tumor predisposition; Hereditary Cancer Syndrome; Neoplastic Syndromes, Hereditary; Hereditary neoplastic syndrome. Identifiers: Orphanet 140162, MedGen C0027672, MeSH D009386, MONDO:0015356.

Submissions (2):

GeneDx
Classification: Uncertain significance. Last evaluated: 2024-10-04. Review status: criteria provided, single submitter. Criteria: GeneDx Variant Classification Process June 2021. Collection method: clinical testing. Allele origin: germline. Affected: yes.
Comment: Not observed at significant frequency in large population cohorts (gnomAD); In silico analysis indicates that this missense variant does not alter protein structure/function; Has not been previously published as pathogenic or benign to our knowledge; This variant is associated with the following publications: (PMID: 8906794)

Ambry Genetics
Classification: Uncertain significance for Hereditary cancer-predisposing syndrome. Last evaluated: 2022-04-25. Review status: criteria provided, single submitter. Criteria: Ambry Variant Classification Scheme 2023. Collection method: clinical testing. Allele origin: germline.
Comment: The p.T903S variant (also known as c.2707A>T), located in coding exon 17 of the PTCH1 gene, results from an A to T substitution at nucleotide position 2707. The threonine at codon 903 is replaced by serine, an amino acid with similar properties. This amino acid position is conserved. In addition, the in silico prediction for this alteration is inconclusive. Since supporting evidence is limited at this time, the clinical significance of this alteration remains unclear.

NM_000264.5(PTCH1):c.2707A>T (p.Thr903Ser)

Gene: PTCH1 (patched 1; minus strand). Cytogenetic location: 9q22.32.
Variant type: single nucleotide variant.
Coding change: c.2707A>T on transcript NM_000264.5 (MANE Select); coding-DNA position 2707, A replaced by T.
Protein change: p.Thr903Ser; replaces threonine 903 with serine.
Molecular consequence: missense variant. On other transcripts: non-coding transcript variant (1).
Genome position (GRCh38, 1-based): chr9:95,459,780, T>A on the plus strand (A>T on the coding strand, the complement: PTCH1 is on the minus strand). VCF-style: chr9-95459780-T-A. GRCh37 (hg19) VCF-style: chr9-98222062-T-A.
Other names: c.2509A>T, p.Thr837Ser (NM_001083602.3); c.2704A>T, p.Thr902Ser (NM_001083603.3); c.2254A>T, p.Thr752Ser (NM_001083604.3, NM_001083605.3, NM_001083606.3 and 1 more transcripts); c.2551A>T, p.Thr851Ser (NM_001354918.2); short protein forms T752S, T837S, T902S, T903S, T851S.
Identifiers: ClinVar variation 1794993 (VCV001794993.3), dbSNP rs2136673414, ClinGen allele CA374113254.